The following is an entry in ClinVar:

NM_012310.5(KIF4A):c.2424A>G (p.Gln808=)

Gene: KIF4A (kinesin family member 4A; plus strand). Cytogenetic location: Xq13.1.
Variant type: single nucleotide variant.
Coding change: c.2424A>G on transcript NM_012310.5 (MANE Select); coding-DNA position 2424, A replaced by G.
Protein change: p.Gln808=; no amino-acid change (glutamine 808 retained).
Molecular consequence: synonymous variant.
Genome position (GRCh38, 1-based): chrX:70,395,984, A>G. VCF-style: chrX-70395984-A-G. GRCh37 (hg19) VCF-style: chrX-69615834-A-G.
Identifiers: ClinVar variation 4823432 (VCV004823432.4).

ClinVar aggregate classification (germline): Likely benign (1 of 4 stars; one submission).

gnomAD v4.1: 13 of 1,208,107 alleles (0.0011%); highest among the groups gnomAD compares: African/African-American, 0.012%; no homozygotes.

Submission:

CeGaT Center for Human Genetics Tuebingen
Classification: Likely benign. Last evaluated: 2026-02-01. Review status: criteria provided, single submitter. Criteria: CeGaT Center For Human Genetics Tuebingen Variant Classification Criteria Version 2. Collection method: clinical testing. Allele origin: germline. Affected: yes. Observed: 1 variant allele.
Comment: KIF4A: BP4, BP7, BS2